The following is an entry in ClinVar:

NM_001429.4(EP300):c.6467C>T (p.Pro2156Leu)

Gene: EP300 (EP300 lysine acetyltransferase; plus strand). Cytogenetic location: 22q13.2.
Variant type: single nucleotide variant.
Coding change: c.6467C>T on transcript NM_001429.4 (MANE Select); coding-DNA position 6467, C replaced by T.
Protein change: p.Pro2156Leu; replaces proline 2156 with leucine.
Molecular consequence: missense variant.
Genome position (GRCh38, 1-based): chr22:41,178,178, C>T. VCF-style: chr22-41178178-C-T. GRCh37 (hg19) VCF-style: chr22-41574182-C-T.
Other names: c.6389C>T, p.Pro2130Leu (NM_001362843.2); c.6467C>T (NM_001429.3); short protein forms P2156L, P2130L.
Identifiers: ClinVar variation 2040539 (VCV002040539.5), dbSNP rs2517834869, ClinGen allele CA411682032.
Genomic context (GRCh38, chr22:41,178,178, plus strand): 5'-TGCAGGCGGGCGTTCAGAGGGCTGGCCTGCCCCAGCAGCAACCACAGCAGCAACTCCAGC[C>T]ACCCATGGGAGGGATGAGCCCCCAGGCTCAGCAGATGAACATGAACCACAACACCATGCC-3'
Protein context (NP_001420.2, residues 2146-2166): PQQQPQQQLQ[Pro2156Leu]PMGGMSPQAQ

ClinVar aggregate classification (germline): Uncertain significance. Review status: criteria provided, multiple submitters, no conflicts (2 of 4 stars). 2 submissions from 2 submitters: Uncertain significance (2). Last evaluated 2026-07-23.

Conditions:
EP300-related disorder. Also called: EP300-related condition; EP300-related disorders.
Rubinstein-Taybi syndrome due to EP300 haploinsufficiency. Also called: EP300-Related Rubinstein-Taybi Syndrome; RUBINSTEIN-TAYBI SYNDROME 2. Identifiers: Orphanet 353284, Orphanet 783, MedGen C3150941, MONDO:0013364, OMIM 613684.

Submissions (2):

PreventionGenetics, part of Exact Sciences
Classification: Uncertain significance for EP300-related condition. Last evaluated: 2026-07-23. Review status: criteria provided, single submitter. Criteria: ACMG Guidelines, 2015. Collection method: clinical testing. Allele origin: germline.
Comment: The EP300 c.6467C>T variant is predicted to result in the amino acid substitution p.Pro2156Leu. To our knowledge, this variant has not been reported in the literature or in a large population database (gnomAD), indicating this variant is rare. An alternative substitution affecting the same amino acid (p.Pro2156Ser) has been reported in one baby with multiple congenital malformation (Yang et al. 2020. PubMed ID: 31501239). Although we suspect that this variant could be pathogenic. At this time, the clinical significance of this variant is uncertain due to the absence of conclusive functional and genetic evidence.

Labcorp Genetics (formerly Invitae), Labcorp
Classification: Uncertain significance for Rubinstein-Taybi syndrome due to EP300 haploinsufficiency. Last evaluated: 2022-09-06. Review status: criteria provided, single submitter. Criteria: Invitae Variant Classification Sherloc (09022015). Collection method: clinical testing. Allele origin: germline.
Comment: In summary, the available evidence is currently insufficient to determine the role of this variant in disease. Therefore, it has been classified as a Variant of Uncertain Significance. Advanced modeling of protein sequence and biophysical properties (such as structural, functional, and spatial information, amino acid conservation, physicochemical variation, residue mobility, and thermodynamic stability) performed at Invitae indicates that this missense variant is not expected to disrupt EP300 protein function. This variant has not been reported in the literature in individuals affected with EP300-related conditions. This variant is not present in population databases (gnomAD no frequency). This sequence change replaces proline, which is neutral and non-polar, with leucine, which is neutral and non-polar, at codon 2156 of the EP300 protein (p.Pro2156Leu).